The following is an entry in ClinVar:

ClinVar aggregate classification (germline): Pathogenic/Likely pathogenic. Review status: criteria provided, multiple submitters, no conflicts (2 of 4 stars). 8 submissions from 8 submitters: Pathogenic (4); Likely pathogenic (2). 2 of the submissions do not count toward it. Last evaluated 2025-09-17.

Conditions:
Homocystinuria. Identifiers: MedGen C0019880, MONDO:0004737, HP:0002156.
Classic homocystinuria. Also called: HOMOCYSTINURIA WITH OR WITHOUT RESPONSE TO PYRIDOXINE; Homocystinuria due to CBS deficiency; Cystathionine beta-synthase deficiency; CBS deficiency; Homocystinuria due to Cystathionine Beta-Synthase Deficiency. Identifiers: Orphanet 394, MedGen C0751202, MONDO:0009352, OMIM 236200.
HYPERHOMOCYSTEINEMIA, THROMBOTIC, CBS-RELATED. Identifiers: MedGen C3150344, OMIM 236200.
Homocystinuria, pyridoxine-responsive. Identifiers: MedGen C3502110.

Allele frequency attached by ClinVar (database versions not stated): gnomAD exomes below 0.00001.

Submissions (8):

Labcorp Genetics (formerly Invitae), Labcorp
Classification: Pathogenic for HYPERHOMOCYSTEINEMIA, THROMBOTIC, CBS-RELATED. Last evaluated: 2025-09-17. Review status: criteria provided, single submitter. Criteria: Invitae Variant Classification Sherloc (09022015). Collection method: clinical testing. Allele origin: germline.
Comment: This sequence change replaces proline, which is neutral and non-polar, with leucine, which is neutral and non-polar, at codon 145 of the CBS protein (p.Pro145Leu). This variant is present in population databases (rs121964963, gnomAD 0.006%). This missense change has been observed in individual(s) with homocystinuria (PMID: 8353501, 16479318, 24211323, 25218699). In at least one individual the data is consistent with being in trans (on the opposite chromosome) from a pathogenic variant. ClinVar contains an entry for this variant (Variation ID: 118). Invitae Evidence Modeling of protein sequence and biophysical properties (such as structural, functional, and spatial information, amino acid conservation, physicochemical variation, residue mobility, and thermodynamic stability) indicates that this missense variant is expected to disrupt CBS protein function with a positive predictive value of 95%. Experimental studies have shown that this missense change affects CBS function (PMID: 8353501, 22267502). For these reasons, this variant has been classified as Pathogenic.

Natera, Inc.
Classification: Pathogenic for Homocystinuria due to cystathionine beta-synthase deficiency. Last evaluated: 2025-08-25. Review status: criteria provided, single submitter. Criteria: Natera Variant Classification Schema (03/2026). Collection method: clinical testing. Allele origin: germline.
Comment: The c.434C>T variant in CBS is a missense variant predicted to cause substitution of proline to leucine at amino acid 145. This variant is rare in the general population with a frequency below the threshold expected for the associated phenotype(s). This variant has been observed in one or more individuals affected with the associated recessive disease, as either homozygous or compound heterozygous with a second variant (PMID: 24211323, 8353501, 25218699). Computational prediction algorithms indicate this variant is likely to affect gene or protein function. Given the available evidence, this variant is classified as Pathogenic.

Women's Health and Genetics/Laboratory Corporation of America, LabCorp
Classification: Pathogenic for Homocystinuria. Last evaluated: 2024-08-01. Review status: criteria provided, single submitter. Criteria: LabCorp Variant Classification Summary - May 2015. Collection method: clinical testing. Allele origin: germline.
Comment: Variant summary: CBS c.434C>T (p.Pro145Leu) results in a non-conservative amino acid change located in the Tryptophan synthase beta chain-like, PALP domain (IPR001926) of the encoded protein sequence. Five of five in-silico tools predict a damaging effect of the variant on protein function. The variant allele was found at a frequency of 4e-06 in 249936 control chromosomes. c.434C>T has been reported in the literature in multiple homozygous or compound heterozygous individuals affected with Homocystinuria (Kozich_1993, Urreizti_2006, Karaca_2014, Alcaide_2015). These data indicate that the variant is very likely to be associated with disease. At least one publication reports experimental evidence evaluating an impact on protein function. The most pronounced variant effect results in residual enzymatic activity and nonfunctional yeast cells in yeat growth assays (Mayfield_2012). The following publications have been ascertained in the context of this evaluation (PMID: 25218699, 24211323, 8353501, 22267502, 16479318). ClinVar contains an entry for this variant (Variation ID: 118). Based on the evidence outlined above, the variant was classified as pathogenic.

Baylor Genetics
Classification: Pathogenic for Classic homocystinuria. Last evaluated: 2024-03-17. Review status: criteria provided, single submitter. Criteria: ACMG Guidelines, 2015. Collection method: clinical testing. Allele origin: unknown.

Genomic Research Center, Shahid Beheshti University of Medical Sciences
Classification: Likely pathogenic for Homocystinuria due to CBS deficiency. Last evaluated: 2019-04-27. Review status: criteria provided, single submitter. Criteria: ACMG Guidelines, 2015. Collection method: clinical testing. Allele origin: inherited. Affected: yes.

CENTOGENE GmbH and LLC - Guiding Precision Medicine
Classification: Likely pathogenic for Homocystinuria. Review status: criteria provided, single submitter. Criteria: ACMG Guidelines, 2015. Collection method: clinical testing. Allele origin: germline. Affected: yes.

Bioscientia Institut fuer Medizinische Diagnostik GmbH, Sonic Healthcare
Classification: Pathogenic for Classic homocystinuria. Last evaluated: 2017-09-18. Review status: no assertion criteria provided. Collection method: clinical testing. Allele origin: germline. Affected: yes. Not counted in ClinVar's aggregate classification.

OMIM
Classification: Pathogenic for HOMOCYSTINURIA, PYRIDOXINE-RESPONSIVE. Last evaluated: 1993-06-01. Review status: no assertion criteria provided. Collection method: literature only. Allele origin: germline. Not counted in ClinVar's aggregate classification.

Literature cited by the submitters: PubMed 8353501 (cited by 4 submitters); PubMed 16479318 (cited by Labcorp Genetics (formerly Invitae), Labcorp and Women's Health and Genetics/Laboratory Corporation of America, LabCorp); PubMed 24211323 (cited by 3 submitters); PubMed 25218699 (cited by 3 submitters); PubMed 22267502 (cited by Labcorp Genetics (formerly Invitae), Labcorp and Women's Health and Genetics/Laboratory Corporation of America, LabCorp).

NM_000071.3(CBS):c.434C>T (p.Pro145Leu)

Gene: CBS (cystathionine beta-synthase; minus strand). Cytogenetic location: 21q22.3.
Variant type: single nucleotide variant.
Coding change: c.434C>T on transcript NM_000071.3 (MANE Select); coding-DNA position 434, C replaced by T.
Protein change: p.Pro145Leu; replaces proline 145 with leucine.
Molecular consequence: missense variant.
Genome position (GRCh38, 1-based): chr21:43,066,260, G>A on the plus strand (C>T on the coding strand, the complement: CBS is on the minus strand). VCF-style: chr21-43066260-G-A. GRCh37 (hg19) VCF-style: chr21-44486370-G-A.
Other names: c.434C>T, p.Pro145Leu (NM_001178008.3, NM_001178009.3, NM_001320298.2); c.119C>T, p.Pro40Leu (NM_001321072.1); short protein forms P145L, P40L.
Identifiers: ClinVar variation 118 (VCV000000118.17), dbSNP rs121964963, ClinGen allele CA113876.